The following is an entry in ClinVar:

NM_006767.4(LZTR1):c.2193G>C (p.Glu731Asp)

Gene: LZTR1 (leucine zipper like post translational regulator 1; plus strand). Cytogenetic location: 22q11.21.
Variant type: single nucleotide variant.
Coding change: c.2193G>C on transcript NM_006767.4 (MANE Select); coding-DNA position 2193, G replaced by C.
Protein change: p.Glu731Asp; replaces glutamic acid 731 with aspartic acid.
Molecular consequence: missense variant.
Genome position (GRCh38, 1-based): chr22:20,996,086, G>C. VCF-style: chr22-20996086-G-C. GRCh37 (hg19) VCF-style: chr22-21350375-G-C.
Other names: short protein forms E731D.
Identifiers: ClinVar variation 4739793 (VCV004739793.1).

ClinVar aggregate classification (germline): Uncertain significance (1 of 4 stars; one submission).

Submission:

Labcorp Genetics (formerly Invitae), Labcorp
Classification: Uncertain significance. Last evaluated: 2025-03-03. Review status: criteria provided, single submitter. Criteria: Invitae Variant Classification Sherloc (09022015). Collection method: clinical testing. Allele origin: germline.
Comment: This sequence change replaces glutamic acid, which is acidic and polar, with aspartic acid, which is acidic and polar, at codon 731 of the LZTR1 protein (p.Glu731Asp). This variant is not present in population databases (gnomAD no frequency). This variant has not been reported in the literature in individuals affected with LZTR1-related conditions. Invitae Evidence Modeling of protein sequence and biophysical properties (such as structural, functional, and spatial information, amino acid conservation, physicochemical variation, residue mobility, and thermodynamic stability) indicates that this missense variant is not expected to disrupt LZTR1 protein function with a negative predictive value of 80%. In summary, the available evidence is currently insufficient to determine the role of this variant in disease. Therefore, it has been classified as a Variant of Uncertain Significance.